The following is an entry in ClinVar:

ClinVar aggregate classification (germline): Uncertain significance (1 of 4 stars; one submission).

Conditions:
Combined immunodeficiency due to LRBA deficiency. Also called: Common variable immunodeficiency 8, with autoimmunity. Identifiers: Orphanet 445018, MedGen C3553512, MONDO:0013863, OMIM 614700.

Submission:

Labcorp Genetics (formerly Invitae), Labcorp
Classification: Uncertain significance for Combined immunodeficiency due to LRBA deficiency. Last evaluated: 2022-07-26. Review status: criteria provided, single submitter. Criteria: Invitae Variant Classification Sherloc (09022015). Collection method: clinical testing. Allele origin: germline.
Comment: In summary, the available evidence is currently insufficient to determine the role of this variant in disease. Therefore, it has been classified as a Variant of Uncertain Significance. This variant is a gross deletion of the genomic region encompassing exon(s) 3-28 of the LRBA gene. This variant would be expected to be in-frame, preserving the integrity of the reading frame. This variant has not been reported in the literature in individuals affected with LRBA-related conditions. Experimental studies and prediction algorithms are not available or were not evaluated, and the functional significance of this variant is currently unknown.

NC_000004.11:g.(?_151765232)_(151850237_?)del

Gene: LRBA (LPS responsive beige-like anchor protein; minus strand). Cytogenetic location: 4q31.3.
Variant type: Deletion.
Identifiers: ClinVar variation 2425634 (VCV002425634.4).